The following is an entry in ClinVar:

NM_004369.4(COL6A3):c.6283-2A>G

Genes: COL6A3 (collagen type VI alpha 3 chain; minus strand), LOC122889011 (Sharpr-MPRA regulatory region 1020; plus strand). Cytogenetic location: 2q37.3.
Variant type: single nucleotide variant.
Coding change: c.6283-2A>G on transcript NM_004369.4 (MANE Select); the canonical splice acceptor site of the intron before coding-DNA position 6283, A replaced by G.
Molecular consequence: splice acceptor variant.
Genome position (GRCh38, 1-based): chr2:237,359,390, T>C on the plus strand (A>G on the coding strand, the complement: COL6A3 is on the minus strand). VCF-style: chr2-237359390-T-C. GRCh37 (hg19) VCF-style: chr2-238268033-T-C.
Other names: NC_000002.11:g.238268033T>C; c.4462-2A>G (NM_057166.5); c.5665-2A>G (NM_057167.4).
Identifiers: ClinVar variation 1691283 (VCV001691283.5), dbSNP rs797044988, ClinGen allele CA351216344.
Genomic context (GRCh38, chr2:237,359,390, plus strand): 5'-TCCATTTGTAAAACAAAACCAAGCTTGCATACCTTCTCTCCTGGGAATCCCCGAGAGCCC[T>C]AGAAGGCAAGGCGATAGGGGAAGCATTAGCTTTTCCTGCAGGGCTGGTCCCTCGGGCAGA-3'

ClinVar aggregate classification (germline): Pathogenic (1 of 4 stars; one submission).

Conditions:
Bethlem myopathy 1A. Also called: Bethlem Muscular Dystrophy; MYOPATHY, BENIGN CONGENITAL, WITH CONTRACTURES; Bethlem myopathy 1. Identifiers: Orphanet 610, MedGen CN029274, MONDO:0024530, OMIM 158810.
Ullrich congenital muscular dystrophy 1A. Also called: Intermediate COL6-RD; Ullrich congenital muscular dystrophy 1. Identifiers: Orphanet 75840, MedGen C0410179, MONDO:0009681, OMIM 254090.

Submissions (2):

Diagnostics Services (NGS), CSIR - Centre For Cellular And Molecular Biology
Classification: Pathogenic for Bethlem myopathy 1A; Ullrich congenital muscular dystrophy 1A. Last evaluated: 2022-01-13. Review status: criteria provided, single submitter. Criteria: ACMG Guidelines, 2015. Collection method: clinical testing. Allele origin: unknown. Inheritance: Autosomal dominant inheritance. Affected: yes. Observed: 1 variant allele, 1 heterozygote.
Comment: The c.6283-2A>G variant is not present in publicly available population databases like 1000 Genomes, Exome Variant Server (EVS), Exome Aggregation Consortium (ExAC), Genome Aggregation Database (gnomAD), dbSNP and Indian Exome Database. The variant is also not present in our in-house exome database. The variant was not reported earlier to ClinVar, Human Genome Mutation Database (HGMD) and OMIM databases in any affected individuals. In-silico pathogenicity prediction programs like HSF3.1, MutationTaster2, CADD, Varsome etc. predicted this variant to be likely deleterious, however these predictions were not confirmed by any published functional or transcriptional studies.

Dr. Peter K. Rogan Lab, Western University
No classification provided (evidence only). Condition: Thyroid cancer, nonmedullary, 1. Review status: no classification provided. Collection method: in vitro. Allele origin: not applicable. Functional consequence: retained intron. Not counted in ClinVar's aggregate classification.